The following is an entry in ClinVar:

NM_000135.4(FANCA):c.597-8G>T

Gene: FANCA (FA complementation group A; minus strand). Cytogenetic location: 16q24.3.
Variant type: single nucleotide variant.
Coding change: c.597-8G>T on transcript NM_000135.4 (MANE Select); 8 bases into the intron before coding-DNA position 597, G replaced by T.
Molecular consequence: intron variant.
Genome position (GRCh38, 1-based): chr16:89,805,400, C>A on the plus strand (G>T on the coding strand, the complement: FANCA is on the minus strand). VCF-style: chr16-89805400-C-A. GRCh37 (hg19) VCF-style: chr16-89871808-C-A.
Other names: c.597-8G>T (NM_001286167.3, NM_001018112.3); c.501-8G>T (NM_001351830.2).
Identifiers: ClinVar variation 3572416 (VCV003572416.1).

ClinVar aggregate classification (germline): Uncertain significance (1 of 4 stars; one submission).

Submission:

Quest Diagnostics Nichols Institute San Juan Capistrano
Classification: Uncertain significance. Last evaluated: 2024-08-21. Review status: criteria provided, single submitter. Criteria: Quest Diagnostics criteria. Collection method: clinical testing. Allele origin: unknown.
Comment: The FANCA c.597-8G>T variant has not been reported in individuals with FANCA-related conditions in the published literature. It also has not been reported in large, multi-ethnic general populations (Genome Aggregation Database). Analysis of this variant using software algorithms for the prediction of the effect of nucleotide changes on splicing yielded predictions that this variant does not affect FANCA mRNA splicing. Based on the available information, we are unable to determine the clinical significance of this variant.